The following is an entry in ClinVar:

NM_001365999.1(SZT2):c.8941T>A (p.Tyr2981Asn)

Gene: SZT2 (SZT2 subunit of KICSTOR complex; plus strand). Cytogenetic location: 1p34.2.
Variant type: single nucleotide variant.
Coding change: c.8941T>A on transcript NM_001365999.1 (MANE Select); coding-DNA position 8941, T replaced by A.
Protein change: p.Tyr2981Asn; replaces tyrosine 2981 with asparagine.
Molecular consequence: missense variant.
Genome position (GRCh38, 1-based): chr1:43,446,203, T>A. VCF-style: chr1-43446203-T-A. GRCh37 (hg19) VCF-style: chr1-43911874-T-A.
Other names: c.8770T>A (NM_015284.3); c.8770T>A, p.Tyr2924Asn (NM_015284.4); short protein forms Y2924N, Y2981N.
Identifiers: ClinVar variation 1011993 (VCV001011993.10), dbSNP rs201615506, ClinGen allele CA810767.

ClinVar aggregate classification (germline): Uncertain significance. Review status: criteria provided, multiple submitters, no conflicts (2 of 4 stars). 3 submissions from 3 submitters: Uncertain significance (3). Last evaluated 2023-10-13.

Conditions:
Developmental and epileptic encephalopathy, 18 (DEE18). Also called: Early infantile epileptic encephalopathy 18. Identifiers: Orphanet 369894, MedGen C3809624, MONDO:0014201, OMIM 615476.

Allele frequency attached by ClinVar (database versions not stated): gnomAD exomes 0.00001; ExAC 0.00002; gnomAD 0.00003 and 0.00004; TOPMed 0.00005; ESP Exome Variant Server 0.00008.
gnomAD v4.1: 5 of 1,614,120 alleles (0.00031%); highest among the groups gnomAD compares: African/African-American, 0.0067%; no homozygotes.

Submissions (3):

Labcorp Genetics (formerly Invitae), Labcorp
Classification: Uncertain significance. Last evaluated: 2023-10-13. Review status: criteria provided, single submitter. Criteria: Invitae Variant Classification Sherloc (09022015). Collection method: clinical testing. Allele origin: germline.
Comment: This sequence change replaces tyrosine, which is neutral and polar, with asparagine, which is neutral and polar, at codon 2924 of the SZT2 protein (p.Tyr2924Asn). This variant is present in population databases (rs201615506, gnomAD 0.02%). This variant has not been reported in the literature in individuals affected with SZT2-related conditions. ClinVar contains an entry for this variant (Variation ID: 1011993). Advanced modeling of protein sequence and biophysical properties (such as structural, functional, and spatial information, amino acid conservation, physicochemical variation, residue mobility, and thermodynamic stability) performed at Invitae indicates that this missense variant is expected to disrupt SZT2 protein function. In summary, the available evidence is currently insufficient to determine the role of this variant in disease. Therefore, it has been classified as a Variant of Uncertain Significance.

GeneDx
Classification: Uncertain significance. Last evaluated: 2023-05-31. Review status: criteria provided, single submitter. Criteria: GeneDx Variant Classification Process June 2021. Collection method: clinical testing. Allele origin: germline. Affected: yes.
Comment: In silico analysis supports that this missense variant has a deleterious effect on protein structure/function; Has not been previously published as pathogenic or benign to our knowledge

Genome-Nilou Lab
Classification: Uncertain significance for Developmental and epileptic encephalopathy, 18. Last evaluated: 2023-04-11. Review status: criteria provided, single submitter. Criteria: ACMG Guidelines, 2015. Collection method: clinical testing. Allele origin: germline. Affected: no.